The following is an entry in ClinVar:

NM_012123.4(MTO1):c.429G>A (p.Leu143=)

Gene: MTO1 (mitochondrial tRNA translation optimization 1; plus strand). Cytogenetic location: 6q13.
Variant type: single nucleotide variant.
Coding change: c.429G>A on transcript NM_012123.4 (MANE Select); coding-DNA position 429, G replaced by A.
Protein change: p.Leu143=; no amino-acid change (leucine 143 retained).
Molecular consequence: synonymous variant.
Genome position (GRCh38, 1-based): chr6:73,466,500, G>A. VCF-style: chr6-73466500-G-A. GRCh37 (hg19) VCF-style: chr6-74176223-G-A.
Other names: p.Leu143=; c.429G>A, p.Leu143= (NM_001123226.2, NM_133645.3).
Identifiers: ClinVar variation 696280 (VCV000696280.12), dbSNP rs763318672, ClinGen allele CA3889350.

ClinVar aggregate classification (germline): Likely benign. Review status: criteria provided, multiple submitters, no conflicts (2 of 4 stars). 3 submissions from 3 submitters: Likely benign (2). 1 of the submissions does not count toward it. Last evaluated 2026-01-26.

Conditions:
Mitochondrial hypertrophic cardiomyopathy with lactic acidosis due to MTO1 deficiency. Also called: CARDIOMYOPATHY, INFANTILE HYPERTROPHIC MITOCHONDRIAL, AND LACTIC ACIDOSIS; Combined oxidative phosphorylation deficiency 10. Identifiers: Orphanet 314637, MedGen C4749921, MONDO:0013865, OMIM 614702.
MTO1-related disorder. Also called: MTO1-related condition.

Allele frequency attached by ClinVar (database versions not stated): TOPMed 0.00004; gnomAD 0.00005 and 0.00006; ExAC 0.00006; gnomAD exomes 0.00006.
gnomAD v4.1: 203 of 1,613,982 alleles (0.013%); highest among the groups gnomAD compares: Non-Finnish European, 0.017%; no homozygotes.

Submissions (3):

Labcorp Genetics (formerly Invitae), Labcorp
Classification: Likely benign for Mitochondrial hypertrophic cardiomyopathy with lactic acidosis due to MTO1 deficiency. Last evaluated: 2026-01-26. Review status: criteria provided, single submitter. Criteria: Invitae Variant Classification Sherloc (09022015). Collection method: clinical testing. Allele origin: germline.

Mayo Clinic Laboratories, Mayo Clinic
Classification: Likely benign. Last evaluated: 2025-04-15. Review status: criteria provided, single submitter. Criteria: ACMG Guidelines, 2015. Collection method: clinical testing. Allele origin: germline. Observed: 1 variant allele.
Comment: BP4, BP7

PreventionGenetics, part of Exact Sciences
Classification: Likely benign for MTO1-related condition. Last evaluated: 2020-11-25. Review status: no assertion criteria provided. Collection method: clinical testing. Allele origin: germline. Not counted in ClinVar's aggregate classification.
Comment: This variant is classified as likely benign based on ACMG/AMP sequence variant interpretation guidelines (Richards et al. 2015 PMID: 25741868, with internal and published modifications).